The following is an entry in ClinVar:

ClinVar aggregate classification (germline): Pathogenic/Likely pathogenic. Review status: criteria provided, multiple submitters, no conflicts (2 of 4 stars). 2 submissions from 2 submitters: Pathogenic (1); Likely pathogenic (1). Last evaluated 2022-04-11.

Conditions:
Niemann-Pick disease, type B. Also called: Chronic Visceral ASMD (Niemann-Pick Disease Type B; NPD-B). Identifiers: Orphanet 77293, MedGen C0268243, MONDO:0011871, OMIM 607616. Disease mechanism: loss of function.
Niemann-Pick disease, type A. Also called: Infantile Neurovisceral ASMD (Niemann-Pick Disease Type A; NPD-A); SPHINGOMYELIN LIPIDOSIS; SPHINGOMYELINASE DEFICIENCY. Identifiers: Orphanet 77292, MedGen C0268242, MONDO:0009756, OMIM 257200. Disease mechanism: loss of function.

Submissions (2):

Baylor Genetics
Classification: Likely pathogenic for Niemann-Pick disease, type A. Last evaluated: 2022-04-11. Review status: criteria provided, single submitter. Criteria: ACMG Guidelines, 2015. Collection method: clinical testing. Allele origin: unknown.

Labcorp Genetics (formerly Invitae), Labcorp
Classification: Pathogenic for Niemann-Pick disease, type B; Niemann-Pick disease, type A. Last evaluated: 2021-08-13. Review status: criteria provided, single submitter. Criteria: Invitae Variant Classification Sherloc (09022015). Collection method: clinical testing. Allele origin: germline.
Comment: This variant has not been reported in the literature in individuals affected with SMPD1-related conditions. This variant is not present in population databases (ExAC no frequency). This sequence change creates a premature translational stop signal (p.Arg14Glyfs*63) in the SMPD1 gene. It is expected to result in an absent or disrupted protein product. Loss-of-function variants in SMPD1 are known to be pathogenic (PMID: 12369017, 15221801). For these reasons, this variant has been classified as Pathogenic.

Literature cited by the submitters: PubMed 12369017 (cited by Labcorp Genetics (formerly Invitae), Labcorp); PubMed 15221801 (cited by Labcorp Genetics (formerly Invitae), Labcorp).

NM_000543.5(SMPD1):c.39del (p.Arg14fs)

Genes: SMPD1 (sphingomyelin phosphodiesterase 1; plus strand), LOC130005193 (ATAC-STARR-seq lymphoblastoid silent region 3099; plus strand). Cytogenetic location: 11p15.4.
Variant type: Deletion.
Coding change: c.39del on transcript NM_000543.5 (MANE Select); coding-DNA position 39, one base deleted (C; older notation c.39delC).
Protein change: p.Arg14fs; shifts the reading frame from arginine 14.
Molecular consequence: frameshift variant. On other transcripts: 5 prime UTR variant (1), non-coding transcript variant (2).
Genome position (GRCh38, 1-based): chr11:6,390,637, C deleted; the last of 4 consecutive C bases (chr11:6,390,634-6,390,637); deleting any one gives the same sequence. VCF-style (leftmost placement, unchanged base first): chr11-6390633-GC-G. GRCh37 (hg19) VCF-style: chr11-6411863-GC-G.
Other names: c.39del, p.Arg14fs (NM_001007593.3, NM_001318087.2, NM_001365135.2); c.-923del (NM_001318088.2); short protein forms R14fs.
Identifiers: ClinVar variation 1460100 (VCV001460100.7), dbSNP rs2134004594, ClinGen allele CA2573147167.